The following is an entry in ClinVar:

ClinVar aggregate classification (germline): Uncertain significance (1 of 4 stars; one submission).

Conditions:
Hereditary cancer-predisposing syndrome. Also called: Tumor predisposition; Neoplastic Syndromes, Hereditary; Hereditary Cancer Syndrome; Hereditary neoplastic syndrome. Identifiers: Orphanet 140162, MedGen C0027672, MeSH D009386, MONDO:0015356.

gnomAD v4.1: 2 of 1,611,596 alleles (0.00012%); highest among the groups gnomAD compares: Admixed American, 0.0034%; no homozygotes.

Submission:

Ambry Genetics
Classification: Uncertain significance for Hereditary cancer-predisposing syndrome. Last evaluated: 2024-11-21. Review status: criteria provided, single submitter. Criteria: Ambry Variant Classification Scheme 2023. Collection method: clinical testing. Allele origin: germline.
Comment: The p.V284I variant (also known as c.850G>A), located in coding exon 7 of the EPCAM gene, results from a G to A substitution at nucleotide position 850. The valine at codon 284 is replaced by isoleucine, an amino acid with highly similar properties. This amino acid position is conserved. In addition, this alteration is predicted to be tolerated by in silico analysis. Based on the available evidence, the clinical significance of this variant remains unclear.

NM_002354.3(EPCAM):c.850G>A (p.Val284Ile)

Gene: EPCAM (epithelial cell adhesion molecule; plus strand). Cytogenetic location: 2p21.
Variant type: single nucleotide variant.
Coding change: c.850G>A on transcript NM_002354.3 (MANE Select); coding-DNA position 850, G replaced by A.
Protein change: p.Val284Ile; replaces valine 284 with isoleucine.
Molecular consequence: missense variant.
Genome position (GRCh38, 1-based): chr2:47,379,961, G>A. VCF-style: chr2-47379961-G-A. GRCh37 (hg19) VCF-style: chr2-47607100-G-A.
Other names: short protein forms V284I.
Identifiers: ClinVar variation 3509166 (VCV003509166.1).